The following is an entry in ClinVar:

ClinVar aggregate classification (germline): Uncertain significance (1 of 4 stars; one submission).

Conditions:
Duchenne muscular dystrophy (DMD). Also called: MUSCULAR DYSTROPHY, PSEUDOHYPERTROPHIC PROGRESSIVE, DUCHENNE TYPE; Duchenne Muscular Dystrophy (DMD). Identifiers: Orphanet 98896, MedGen C0013264, MONDO:0010679, OMIM 310200.

Submission:

Labcorp Genetics (formerly Invitae), Labcorp
Classification: Uncertain significance for Duchenne muscular dystrophy. Last evaluated: 2024-11-11. Review status: criteria provided, single submitter. Criteria: Invitae Variant Classification Sherloc (09022015). Collection method: clinical testing. Allele origin: germline.
Comment: This sequence change replaces glutamine, which is neutral and polar, with histidine, which is basic and polar, at codon 844 of the DMD protein (p.Gln844His). This variant is not present in population databases (gnomAD no frequency). This variant has not been reported in the literature in individuals affected with DMD-related conditions. Invitae Evidence Modeling of protein sequence and biophysical properties (such as structural, functional, and spatial information, amino acid conservation, physicochemical variation, residue mobility, and thermodynamic stability) indicates that this missense variant is not expected to disrupt DMD protein function with a negative predictive value of 95%. In summary, the available evidence is currently insufficient to determine the role of this variant in disease. Therefore, it has been classified as a Variant of Uncertain Significance.

NM_004006.3(DMD):c.2532G>T (p.Gln844His)

Gene: DMD (dystrophin; minus strand). Cytogenetic location: Xp21.1.
Variant type: single nucleotide variant.
Coding change: c.2532G>T on transcript NM_004006.3 (MANE Select); coding-DNA position 2532, G replaced by T.
Protein change: p.Gln844His; replaces glutamine 844 with histidine.
Molecular consequence: missense variant.
Genome position (GRCh38, 1-based): chrX:32,491,367, C>A on the plus strand (G>T on the coding strand, the complement: DMD is on the minus strand). VCF-style: chrX-32491367-C-A. GRCh37 (hg19) VCF-style: chrX-32509484-C-A.
Other names: c.2508G>T, p.Gln836His (NM_000109.4); c.2520G>T, p.Gln840His (NM_004009.3); c.2163G>T, p.Gln721His (NM_004010.3); short protein forms Q844H, Q721H, Q840H, Q836H.
Identifiers: ClinVar variation 3711721 (VCV003711721.2).